The following is an entry in ClinVar:

NM_001040142.2(SCN2A):c.5677T>A (p.Tyr1893Asn)

Gene: SCN2A (sodium voltage-gated channel alpha subunit 2; plus strand). Cytogenetic location: 2q24.3.
Variant type: single nucleotide variant.
Coding change: c.5677T>A on transcript NM_001040142.2 (MANE Select); coding-DNA position 5677, T replaced by A.
Protein change: p.Tyr1893Asn; replaces tyrosine 1893 with asparagine.
Molecular consequence: missense variant.
Genome position (GRCh38, 1-based): chr2:165,389,483, T>A. VCF-style: chr2-165389483-T-A. GRCh37 (hg19) VCF-style: chr2-166245993-T-A.
Other names: c.5677T>A, p.Tyr1893Asn (NM_001040143.2, NM_001371246.1, NM_001371247.1 and 1 more transcripts); short protein forms Y1893N.
Identifiers: ClinVar variation 892916 (VCV000892916.7), dbSNP rs1702040004, ClinGen allele CA349039779.
Genomic context (GRCh38, chr2:165,389,483, plus strand): 5'-GATGCCCTTCGAATACAGATGGAAGAGCGATTCATGGCATCAAACCCCTCCAAAGTCTCT[T>A]ATGAGCCCATTACGACCACGTTGAAACGCAAACAAGAGGAGGTGTCTGCTATTATTATCC-3'
Protein context (NP_001035232.1, residues 1883-1903): FMASNPSKVS[Tyr1893Asn]EPITTTLKRK

ClinVar aggregate classification (germline): Uncertain significance. Review status: criteria provided, multiple submitters, no conflicts (2 of 4 stars). 2 submissions from 2 submitters: Uncertain significance (2). Last evaluated 2021-08-06.

Conditions:
Seizures, benign familial infantile, 3 (BFIS3). Also called: CONVULSIONS, BENIGN FAMILIAL INFANTILE, 3; Familial neonatal seizures. Identifiers: Orphanet 140927, Orphanet 306, MedGen C1843140, MONDO:0011904, OMIM 607745.

Allele frequency attached by ClinVar (database versions not stated): gnomAD exomes 0.00001.
gnomAD v4.1: 10 of 1,613,938 alleles (0.00062%); highest among the groups gnomAD compares: Non-Finnish European, 0.00085%; no homozygotes.

Submissions (2):

Greenwood Genetic Center Diagnostic Laboratories, Greenwood Genetic Center
Classification: Uncertain significance. Last evaluated: 2021-08-06. Review status: criteria provided, single submitter. Criteria: ACMG Guidelines, 2015. Collection method: clinical testing. Allele origin: germline. Affected: yes.
Comment: PP2, PP3, PM2

Illumina Laboratory Services, Illumina
Classification: Uncertain significance for Seizures, benign familial infantile, 3. Last evaluated: 2018-01-12. Review status: criteria provided, single submitter. Criteria: ICSL Variant Classification Criteria 13 December 2019. Collection method: clinical testing. Allele origin: germline.